The following is an entry in ClinVar:

NM_001042492.3(NF1):c.92A>G (p.His31Arg)

Gene: NF1 (neurofibromin 1; plus strand). Cytogenetic location: 17q11.2.
Variant type: single nucleotide variant.
Coding change: c.92A>G on transcript NM_001042492.3 (MANE Select); coding-DNA position 92, A replaced by G.
Protein change: p.His31Arg; replaces histidine 31 with arginine.
Molecular consequence: missense variant.
Genome position (GRCh38, 1-based): chr17:31,156,014, A>G. VCF-style: chr17-31156014-A-G. GRCh37 (hg19) VCF-style: chr17-29483032-A-G.
Other names: c.92A>G, p.His31Arg (NM_001128147.3, NM_000267.4); short protein forms H31R.
Identifiers: ClinVar variation 68364 (VCV000068364.12), dbSNP rs199474725, ClinGen allele CA219643.

ClinVar aggregate classification (germline): Uncertain significance. Review status: criteria provided, multiple submitters, no conflicts (2 of 4 stars). 4 submissions from 4 submitters: Uncertain significance (3). 1 of the submissions does not count toward it. Last evaluated 2024-11-15.

Conditions:
Hereditary cancer-predisposing syndrome. Also called: Tumor predisposition; Hereditary Cancer Syndrome; Neoplastic Syndromes, Hereditary; Hereditary neoplastic syndrome. Identifiers: Orphanet 140162, MedGen C0027672, MeSH D009386, MONDO:0015356.
Cardiovascular phenotype. Identifiers: MedGen CN230736.
Neurofibromatosis, type 1 (NF1). Also called: Peripheral type neurofibromatosis; VON RECKLINGHAUSEN DISEASE; NEUROFIBROMATOSIS, TYPE I, SOMATIC; Neurofibromatosis, type I. Identifiers: Orphanet 636, MedGen C0027831, MONDO:0018975, OMIM 162200. Disease mechanism: loss of function.

Allele frequency attached by ClinVar (database versions not stated): gnomAD exomes below 0.00001.
gnomAD v4.1: 3 of 1,613,504 alleles (0.00019%); highest among the groups gnomAD compares: Non-Finnish European, 0.00025%; no homozygotes.

Submissions (4):

Labcorp Genetics (formerly Invitae), Labcorp
Classification: Uncertain significance for Neurofibromatosis, type 1. Last evaluated: 2024-11-15. Review status: criteria provided, single submitter. Criteria: Invitae Variant Classification Sherloc (09022015). Collection method: clinical testing. Allele origin: germline.
Comment: This sequence change replaces histidine, which is basic and polar, with arginine, which is basic and polar, at codon 31 of the NF1 protein (p.His31Arg). This variant is not present in population databases (gnomAD no frequency). This missense change has been observed in individual(s) with clinical features of neurofibromatosis type 1 (PMID: 15060124; internal data). ClinVar contains an entry for this variant (Variation ID: 68364). Invitae Evidence Modeling of protein sequence and biophysical properties (such as structural, functional, and spatial information, amino acid conservation, physicochemical variation, residue mobility, and thermodynamic stability) has been performed for this missense variant. However, the output from this modeling did not meet the statistical confidence thresholds required to predict the impact of this variant on NF1 protein function. In summary, the available evidence is currently insufficient to determine the role of this variant in disease. Therefore, it has been classified as a Variant of Uncertain Significance.

Ambry Genetics
Classification: Uncertain significance for Cardiovascular phenotype; Hereditary cancer-predisposing syndrome. Last evaluated: 2022-11-22. Review status: criteria provided, single submitter. Criteria: Ambry Variant Classification Scheme 2023. Collection method: clinical testing. Allele origin: germline.
Comment: The p.H31R variant (also known as c.92A>G), located in coding exon 2 of the NF1 gene, results from an A to G substitution at nucleotide position 92. The histidine at codon 31 is replaced by arginine, an amino acid with highly similar properties. This alteration was identified in 1/91 probands fulfilling the NIH diagnostic criteria for neurofibromatosis type 1 (NF1) (Mattocks C et al. J. Med. Genet., 2004 Apr;41:e48). Another study that assessed missense mutations by combining protein network data with mutational analyses based on 3D structures using the protein design algorithm FoldX found this alteration to have no effect (Kiel C et al. Mol. Syst. Biol., 2014 May;10:727). This amino acid position is highly conserved in available vertebrate species. In addition, the in silico prediction for this alteration is inconclusive.

Genome-Nilou Lab
Classification: Uncertain significance for Neurofibromatosis, type 1. Last evaluated: 2022-03-15. Review status: criteria provided, single submitter. Criteria: ACMG Guidelines, 2015. Collection method: clinical testing. Allele origin: germline. Affected: no.

UniProtKB/Swiss-Prot
No classification provided. Review status: no classification provided. Collection method: not provided. Allele origin: not provided. Not counted in ClinVar's aggregate classification.

Literature cited by the submitters: PubMed 15060124 (cited by Labcorp Genetics (formerly Invitae), Labcorp).